The following is an entry in ClinVar:

NM_003190.5(TAPBP):c.719C>T (p.Ala240Val)

Gene: TAPBP (TAP binding protein; minus strand). Cytogenetic location: 6p21.32.
Variant type: single nucleotide variant.
Coding change: c.719C>T on transcript NM_003190.5 (MANE Select); coding-DNA position 719, C replaced by T.
Protein change: p.Ala240Val; replaces alanine 240 with valine.
Molecular consequence: missense variant.
Genome position (GRCh38, 1-based): chr6:33,305,138, G>A on the plus strand (C>T on the coding strand, the complement: TAPBP is on the minus strand). VCF-style: chr6-33305138-G-A. GRCh37 (hg19) VCF-style: chr6-33272915-G-A.
Other names: c.719C>T, p.Ala240Val (NM_001410875.1, NM_172208.3); c.458C>T, p.Ala153Val (NM_172209.3); short protein forms A153V, A240V.
Identifiers: ClinVar variation 2811764 (VCV002811764.3), dbSNP rs1397624777, ClinGen allele CA363691333.

ClinVar aggregate classification (germline): Uncertain significance (1 of 4 stars; one submission).

Conditions:
MHC class I deficiency. Identifiers: Orphanet 34592, MedGen C6024714, MONDO:0011476.

Submission:

Labcorp Genetics (formerly Invitae), Labcorp
Classification: Uncertain significance for MHC class I deficiency 1. Last evaluated: 2023-07-26. Review status: criteria provided, single submitter. Criteria: Invitae Variant Classification Sherloc (09022015). Collection method: clinical testing. Allele origin: germline.
Comment: In summary, the available evidence is currently insufficient to determine the role of this variant in disease. Therefore, it has been classified as a Variant of Uncertain Significance. An algorithm developed to predict the effect of missense changes on protein structure and function (PolyPhen-2) suggests that this variant is likely to be tolerated. This variant has not been reported in the literature in individuals affected with TAPBP-related conditions. This variant is present in population databases (no rsID available, gnomAD 0.003%). This sequence change replaces alanine, which is neutral and non-polar, with valine, which is neutral and non-polar, at codon 240 of the TAPBP protein (p.Ala240Val).